The following is an entry in ClinVar:

NM_006440.5(TXNRD2):c.1417G>A (p.Val473Ile)

Gene: TXNRD2 (thioredoxin reductase 2; minus strand). Cytogenetic location: 22q11.21.
Variant type: single nucleotide variant.
Coding change: c.1417G>A on transcript NM_006440.5 (MANE Select); coding-DNA position 1417, G replaced by A.
Protein change: p.Val473Ile; replaces valine 473 with isoleucine.
Molecular consequence: missense variant. On other transcripts: non-coding transcript variant (1).
Genome position (GRCh38, 1-based): chr22:19,878,118, C>T on the plus strand (G>A on the coding strand, the complement: TXNRD2 is on the minus strand). VCF-style: chr22-19878118-C-T. GRCh37 (hg19) VCF-style: chr22-19865641-C-T.
Other names: c.1414G>A, p.Val472Ile (NM_001352300.2); c.1327G>A, p.Val443Ile (NM_001352301.2); c.1129G>A, p.Val377Ile (NM_001352302.2); c.1417G>A (NM_006440.3); short protein forms V472I, V377I, V473I, V443I.
Identifiers: ClinVar variation 1357729 (VCV001357729.9), dbSNP rs760570314, ClinGen allele CA10103660.

ClinVar aggregate classification (germline): Uncertain significance. Review status: criteria provided, multiple submitters, no conflicts (2 of 4 stars). 2 submissions from 2 submitters: Uncertain significance (2). Last evaluated 2025-05-05.

Conditions:
Cardiovascular phenotype. Identifiers: MedGen CN230736.
Primary dilated cardiomyopathy (DCM). Also called: Dilated Cardiomyopathy. Identifiers: Orphanet 217604, MedGen C0007193, MeSH D002311, MONDO:0005021, HP:0001644. Inheritance: Various modes of inheritance.

Allele frequency attached by ClinVar (database versions not stated): TOPMed below 0.00001; ExAC 0.00001; gnomAD 0.00001.
gnomAD v4.1: 15 of 1,613,450 alleles (0.00093%); highest among the groups gnomAD compares: East Asian, 0.031%; no homozygotes.

Submissions (2):

Ambry Genetics
Classification: Uncertain significance for Cardiovascular phenotype. Last evaluated: 2025-05-05. Review status: criteria provided, single submitter. Criteria: Ambry Variant Classification Scheme 2023. Collection method: clinical testing. Allele origin: germline.
Comment: The p.V473I variant (also known as c.1417G>A), located in coding exon 16 of the TXNRD2 gene, results from a G to A substitution at nucleotide position 1417. The valine at codon 473 is replaced by isoleucine, an amino acid with highly similar properties. This amino acid position is conserved. In addition, the in silico prediction for this alteration is inconclusive. Based on the available evidence, the clinical significance of this variant remains unclear.

Labcorp Genetics (formerly Invitae), Labcorp
Classification: Uncertain significance for Primary dilated cardiomyopathy. Last evaluated: 2022-08-09. Review status: criteria provided, single submitter. Criteria: Invitae Variant Classification Sherloc (09022015). Collection method: clinical testing. Allele origin: germline.
Comment: In summary, the available evidence is currently insufficient to determine the role of this variant in disease. Therefore, it has been classified as a Variant of Uncertain Significance. Algorithms developed to predict the effect of missense changes on protein structure and function (SIFT, PolyPhen-2, Align-GVGD) all suggest that this variant is likely to be tolerated. ClinVar contains an entry for this variant (Variation ID: 1357729). This variant has not been reported in the literature in individuals affected with TXNRD2-related conditions. This variant is not present in population databases (gnomAD no frequency). This sequence change replaces valine, which is neutral and non-polar, with isoleucine, which is neutral and non-polar, at codon 473 of the TXNRD2 protein (p.Val473Ile).